The following is an entry in ClinVar:

NM_005570.4(LMAN1):c.*164A>G

Gene: LMAN1 (lectin, mannose binding 1; minus strand). Cytogenetic location: 18q21.32.
Variant type: single nucleotide variant.
Coding change: c.*164A>G on transcript NM_005570.4 (MANE Select); 164 bases downstream of the stop codon, A replaced by G.
Molecular consequence: 3 prime UTR variant.
Genome position (GRCh38, 1-based): chr18:59,330,929, T>C on the plus strand (A>G on the coding strand, the complement: LMAN1 is on the minus strand). VCF-style: chr18-59330929-T-C. GRCh37 (hg19) VCF-style: chr18-56998161-T-C.
Identifiers: ClinVar variation 327565 (VCV000327565.6), dbSNP rs41332251, ClinGen allele CA10651207.

ClinVar aggregate classification (germline): Likely benign. Review status: criteria provided, multiple submitters, no conflicts (2 of 4 stars). 2 submissions from 2 submitters: Likely benign (2). Last evaluated 2018-01-13.

Conditions:
Factor V and factor VIII, combined deficiency of, type 1. Also called: Combined factor V and VIII deficiency; FAMILIAL MULTIPLE COAGULATION FACTOR DEFICIENCY I; MULTIPLE COAGULATION FACTOR DEFICIENCY I; FMFD I. Identifiers: Orphanet 35909, MedGen C4551981, MONDO:0009206, OMIM 227300.

Allele frequency attached by ClinVar (database versions not stated): 1000 Genomes Project 30x 0.00781; 1000 Genomes Project 0.00739; gnomAD 0.00701 and 0.00758; gnomAD exomes 0.00071; TOPMed 0.00780.

Submissions (2):

Illumina Laboratory Services, Illumina
Classification: Likely benign for Factor V and factor VIII, combined deficiency of, type 1. Last evaluated: 2018-01-13. Review status: criteria provided, single submitter. Criteria: ICSL Variant Classification Criteria 13 December 2019. Collection method: clinical testing. Allele origin: germline.
Comment: This variant was observed in the ICSL laboratory as part of a predisposition screen in an ostensibly healthy population. It had not been previously curated by ICSL or reported in the Human Gene Mutation Database (HGMD: prior to June 1st, 2018), and was therefore a candidate for classification through an automated scoring system. Utilizing variant allele frequency, disease prevalence and penetrance estimates, and inheritance mode, an automated score was calculated to assess if this variant is too frequent to cause the disease. Based on the score and internal cut-off values, a variant classified as likely benign is not then subjected to further curation. The score for this variant resulted in a classification of likely benign for this disease.

Breakthrough Genomics
Classification: Likely benign. Review status: criteria provided, single submitter. Criteria: ACMG Guidelines, 2015. Collection method: not provided. Allele origin: germline. Inheritance: Autosomal recessive inheritance. Affected: yes.